The following is an entry in ClinVar:

ClinVar aggregate classification (germline): Uncertain significance (1 of 4 stars; one submission).

Conditions:
Cardiovascular phenotype. Identifiers: MedGen CN230736.

Allele frequency attached by ClinVar (database versions not stated): gnomAD exomes 0.00001; TOPMed 0.00003.
gnomAD v4.1: 7 of 1,539,320 alleles (0.00045%); highest among the groups gnomAD compares: African/African-American, 0.0014%; no homozygotes.

Submission:

Ambry Genetics
Classification: Uncertain significance for Cardiovascular phenotype. Last evaluated: 2019-10-29. Review status: criteria provided, single submitter. Criteria: Ambry Variant Classification Scheme 2023. Collection method: clinical testing. Allele origin: germline.
Comment: The p.E3439K variant (also known as c.10315G>A), located in coding exon 2 of the ZNF469 gene, results from a G to A substitution at nucleotide position 10315. The glutamic acid at codon 3439 is replaced by lysine, an amino acid with similar properties. This amino acid position is not well conserved in available vertebrate species. In addition, this alteration is predicted to be tolerated by in silico analysis. Since supporting evidence is limited at this time, the clinical significance of this alteration remains unclear.

NM_001367624.2(ZNF469):c.10399G>A (p.Glu3467Lys)

Gene: ZNF469 (zinc finger protein 469; plus strand). Cytogenetic location: 16q24.2.
Variant type: single nucleotide variant.
Coding change: c.10399G>A on transcript NM_001367624.2 (MANE Select); coding-DNA position 10399, G replaced by A.
Protein change: p.Glu3467Lys; replaces glutamic acid 3467 with lysine.
Molecular consequence: missense variant.
Genome position (GRCh38, 1-based): chr16:88,437,869, G>A. VCF-style: chr16-88437869-G-A. GRCh37 (hg19) VCF-style: chr16-88504277-G-A.
Other names: NM_001127464.1:c.10315G>A; short protein forms E3467K.
Identifiers: ClinVar variation 1771175 (VCV001771175.2), dbSNP rs925204910, ClinGen allele CA286386699.